The following is an entry in ClinVar:

ClinVar aggregate classification (germline): Pathogenic/Likely pathogenic. Review status: criteria provided, multiple submitters, no conflicts (2 of 4 stars). 4 submissions from 4 submitters: Pathogenic (1); Likely pathogenic (2). 1 of the submissions does not count toward it. Last evaluated 2025-04-02.

Conditions:
Hereditary spastic paraplegia 77. Also called: Spastic paraplegia 77, autosomal recessive. Identifiers: Orphanet 466722, MedGen C5569007, MONDO:0014882, OMIM 617046.
Combined oxidative phosphorylation defect type 14. Also called: Combined oxidative phosphorylation deficiency 14. Identifiers: Orphanet 319519, MedGen C4755312, MONDO:0013986, OMIM 614946.

Allele frequency attached by ClinVar (database versions not stated): gnomAD 0.00001 and 0.00002; gnomAD exomes 0.00001 and 0.00002; ExAC 0.00002; TOPMed 0.00002.

Submissions (4):

Labcorp Genetics (formerly Invitae), Labcorp
Classification: Pathogenic for Combined oxidative phosphorylation defect type 14. Last evaluated: 2025-04-02. Review status: criteria provided, single submitter. Criteria: Invitae Variant Classification Sherloc (09022015). Collection method: clinical testing. Allele origin: germline.
Comment: This sequence change replaces arginine, which is basic and polar, with cysteine, which is neutral and slightly polar, at codon 419 of the FARS2 protein (p.Arg419Cys). This variant is present in population databases (rs775690041, gnomAD 0.004%). This missense change has been observed in individuals with clinical features of autosomal recessive hereditary spastic paraplegia (PMID: 25851414, 30177229). It has also been observed to segregate with disease in related individuals. ClinVar contains an entry for this variant (Variation ID: 214336). Invitae Evidence Modeling of protein sequence and biophysical properties (such as structural, functional, and spatial information, amino acid conservation, physicochemical variation, residue mobility, and thermodynamic stability) indicates that this missense variant is expected to disrupt FARS2 protein function with a positive predictive value of 95%. This variant disrupts the p.Arg419 amino acid residue in FARS2. Other variant(s) that disrupt this residue have been determined to be pathogenic (PMID: 33168986, 33972171). This suggests that this residue is clinically significant, and that variants that disrupt this residue are likely to be disease-causing. For these reasons, this variant has been classified as Pathogenic.

GeneDx
Classification: Likely pathogenic. Last evaluated: 2025-01-14. Review status: criteria provided, single submitter. Criteria: GeneDx Variant Classification Process June 2021. Collection method: clinical testing. Allele origin: germline. Affected: yes.
Comment: In silico analysis supports that this missense variant has a deleterious effect on protein structure/function; Not observed at significant frequency in large population cohorts (gnomAD); This variant is associated with the following publications: (PMID: 25851414, 34426522, 30177229)

Wong Mito Lab, Molecular and Human Genetics, Baylor College of Medicine
Classification: Likely pathogenic for Spastic paraplegia 77, autosomal recessive. Last evaluated: 2018-06-13. Review status: criteria provided, single submitter. Criteria: ACMG Guidelines, 2015. Collection method: clinical testing. Allele origin: germline. Affected: yes.

OMIM
Classification: Pathogenic for SPASTIC PARAPLEGIA 77, AUTOSOMAL RECESSIVE. Last evaluated: 2018-01-30. Review status: no assertion criteria provided. Collection method: literature only. Allele origin: germline. Not counted in ClinVar's aggregate classification.

Literature cited by the submitters: PubMed 25851414 (cited by 3 submitters); PubMed 30177229 (cited by Labcorp Genetics (formerly Invitae), Labcorp); PubMed 33168986 (cited by Labcorp Genetics (formerly Invitae), Labcorp); PubMed 33972171 (cited by Labcorp Genetics (formerly Invitae), Labcorp).

NM_006567.5(FARS2):c.1255C>T (p.Arg419Cys)

Gene: FARS2 (phenylalanyl-tRNA synthetase 2, mitochondrial; plus strand). Cytogenetic location: 6p25.1.
Variant type: single nucleotide variant.
Coding change: c.1255C>T on transcript NM_006567.5 (MANE Select); coding-DNA position 1255, C replaced by T.
Protein change: p.Arg419Cys; replaces arginine 419 with cysteine.
Molecular consequence: missense variant.
Genome position (GRCh38, 1-based): chr6:5,771,328, C>T. VCF-style: chr6-5771328-C-T. GRCh37 (hg19) VCF-style: chr6-5771561-C-T.
Other names: p.R419C:CGC>TGC; c.1255C>T, p.Arg419Cys (NM_001318872.2, NM_001374875.1, NM_001374876.1 and 4 more transcripts); c.1123C>T, p.Arg375Cys (NM_001375258.1); c.559C>T, p.Arg187Cys (NM_001375259.1, NM_001375260.1); short protein forms R419C, R187C, R375C.
Identifiers: ClinVar variation 214336 (VCV000214336.13), dbSNP rs775690041, ClinGen allele CA321645.